The following is an entry in ClinVar:

NM_006087.4(TUBB4A):c.*700T>A

Gene: TUBB4A (tubulin beta 4A class IVa; minus strand). Cytogenetic location: 19p13.3.
Variant type: single nucleotide variant.
Coding change: c.*700T>A on transcript NM_006087.4 (MANE Select); 700 bases downstream of the stop codon, T replaced by A.
Molecular consequence: 3 prime UTR variant.
Genome position (GRCh38, 1-based): chr19:6,494,464, A>T on the plus strand (T>A on the coding strand, the complement: TUBB4A is on the minus strand). VCF-style: chr19-6494464-A-T. GRCh37 (hg19) VCF-style: chr19-6494475-A-T.
Other names: c.*700T>A (NM_001289123.2, NM_001289127.2, NM_001289129.2 and 2 more transcripts).
Identifiers: ClinVar variation 330249 (VCV000330249.5), dbSNP rs73920690, ClinGen allele CA10652267.
Genomic context (GRCh38, chr19:6,494,464, plus strand): 5'-ACCAGGCCTTGTTTCTCTCCCAGATAAGCTAAGGTCGGCAGGGGCTGAGGGGAGTGAGGC[A>T]GGGAGGATGCATGGGGCCTGTGGGAATCAGAGAGAAGCTGGGGTCAGAGGTAGGAGCTGA-3'

ClinVar aggregate classification (germline): Benign. Review status: criteria provided, single submitter (1 of 4 stars). 2 submissions from 1 submitter: Benign (2). Last evaluated 2017-04-27.

Conditions:
Torsion dystonia 4. Also called: DYT-TUBB4A (Autosomal Dominant Torsion Dystonia); DYSTONIA MUSCULORUM DEFORMANS 4. Identifiers: Orphanet 98805, MedGen C1851943, MONDO:0007493, OMIM 128101.
Leukodystrophy, hypomyelinating, 6. Also called: LEUKODYSTROPHY, HYPOMYELINATING, WITH ATROPHY OF THE BASAL GANGLIA AND CEREBELLUM; TUBB4A-Associated Leukodystrophy; Hypomyelination with Atrophy of Basal Ganglia and Cerebellum (H-ABC). Identifiers: Orphanet 139441, MedGen C2676244, MONDO:0012905, OMIM 612438.

Allele frequency attached by ClinVar (database versions not stated): gnomAD exomes 0.00669; TOPMed 0.03320; gnomAD 0.03326 and 0.03486; 1000 Genomes Project 0.03734; 1000 Genomes Project 30x 0.03919.
gnomAD v4.1: 4,820 of 147,780 alleles (3.3%); highest among the groups gnomAD compares: African/African-American, 8.8%; 153 homozygotes.

Submissions (2):

Illumina Laboratory Services, Illumina
Classification: Benign for Torsion dystonia 4. Last evaluated: 2017-04-27. Review status: criteria provided, single submitter. Criteria: ICSL Variant Classification Criteria 13 December 2019. Collection method: clinical testing. Allele origin: germline.
Comment: This variant was observed as part of a predisposition screen in an ostensibly healthy population. A literature search was performed for the gene, cDNA change, and amino acid change (where applicable). No publications were found based on this search. Allele frequency data from public databases was too high to be consistent with this variant causing disease. Therefore, this variant is classified as benign.

Illumina Laboratory Services, Illumina
Classification: Benign for Leukodystrophy, hypomyelinating, 6. Last evaluated: 2017-04-27. Review status: criteria provided, single submitter. Criteria: ICSL Variant Classification Criteria 13 December 2019. Collection method: clinical testing. Allele origin: germline.
Comment: the same text as in the submission from Illumina Laboratory Services, Illumina above.